The following is an entry in ClinVar:

NM_001349338.3(FOXP1):c.1586T>G (p.Val529Gly)

Gene: FOXP1 (forkhead box P1; minus strand). Cytogenetic location: 3p13.
Variant type: single nucleotide variant.
Coding change: c.1586T>G on transcript NM_001349338.3 (MANE Select); coding-DNA position 1586, T replaced by G.
Protein change: p.Val529Gly; replaces valine 529 with glycine.
Molecular consequence: missense variant. On other transcripts: non-coding transcript variant (2), intron variant (1).
Genome position (GRCh38, 1-based): chr3:70,972,621, A>C on the plus strand (T>G on the coding strand, the complement: FOXP1 is on the minus strand). VCF-style: chr3-70972621-A-C. GRCh37 (hg19) VCF-style: chr3-71021772-A-C.
Other names: c.1583T>G, p.Val528Gly (NM_001244808.3, NM_001349341.3); c.1358T>G, p.Val453Gly (NM_001244812.3); c.1286T>G, p.Val429Gly (NM_001244813.3, NM_001244815.2, NM_001349342.3); c.1586T>G, p.Val529Gly (NM_001244814.3, NM_001244816.2, NM_001349339.1 and 2 more transcripts); c.1283T>G, p.Val428Gly (NM_001349337.2, NM_001349343.3, NM_001349344.3 and 1 more transcripts); c.1531-441T>G (NM_001244810.2); short protein forms V528G, V529G, V428G, V429G, V453G.
Identifiers: ClinVar variation 1928003 (VCV001928003.5), dbSNP rs2036502834, ClinGen allele CA353491655.

ClinVar aggregate classification (germline): Uncertain significance (1 of 4 stars; one submission).

Allele frequency attached by ClinVar (database versions not stated): gnomAD 0.00001.
gnomAD v4.1: 1 of 1,613,992 alleles (0.000062%); highest among the groups gnomAD compares: Admixed American, 0.0017%; no homozygotes.

Submission:

Labcorp Genetics (formerly Invitae), Labcorp
Classification: Uncertain significance. Last evaluated: 2022-06-15. Review status: criteria provided, single submitter. Criteria: Invitae Variant Classification Sherloc (09022015). Collection method: clinical testing. Allele origin: germline.
Comment: In summary, the available evidence is currently insufficient to determine the role of this variant in disease. Therefore, it has been classified as a Variant of Uncertain Significance. Algorithms developed to predict the effect of sequence changes on RNA splicing suggest that this variant may create or strengthen a splice site. Algorithms developed to predict the effect of missense changes on protein structure and function (SIFT, PolyPhen-2, Align-GVGD) all suggest that this variant is likely to be tolerated. This variant has not been reported in the literature in individuals affected with FOXP1-related conditions. This variant is not present in population databases (gnomAD no frequency). This sequence change replaces valine, which is neutral and non-polar, with glycine, which is neutral and non-polar, at codon 529 of the FOXP1 protein (p.Val529Gly).